The following is an entry in ClinVar:

NM_001267550.2(TTN):c.21163G>T (p.Gly7055Trp)

Genes: TTN (titin; minus strand), LOC126806428 (BRD4-independent group 4 enhancer GRCh37_chr2:179588362-179589561; plus strand). Cytogenetic location: 2q31.2.
Variant type: single nucleotide variant.
Coding change: c.21163G>T on transcript NM_001267550.2 (MANE Select); coding-DNA position 21163, G replaced by T.
Protein change: p.Gly7055Trp; replaces glycine 7055 with tryptophan.
Molecular consequence: missense variant. On other transcripts: intron variant (3).
Genome position (GRCh38, 1-based): chr2:178,724,096, C>A on the plus strand (G>T on the coding strand, the complement: TTN is on the minus strand). VCF-style: chr2-178724096-C-A. GRCh37 (hg19) VCF-style: chr2-179588823-C-A.
Other names: c.20212G>T, p.Gly6738Trp (NM_001256850.1); c.17431G>T, p.Gly5811Trp (NM_133378.4); c.13282+13986G>T (NM_003319.4); c.13858+13986G>T (NM_133437.4); c.13657+13986G>T (NM_133432.3); short protein forms G5811W, G7055W, G6738W.
Identifiers: ClinVar variation 283326 (VCV000283326.8), dbSNP rs375219301, ClinGen allele CA2001069.

ClinVar aggregate classification (germline): Uncertain significance. Review status: criteria provided, multiple submitters, no conflicts (2 of 4 stars). 4 submissions from 4 submitters: Uncertain significance (4). Last evaluated 2026-03-13.

Conditions:
Early-onset myopathy with fatal cardiomyopathy (CMYO5). Also called: Salih Myopathy; CONGENITAL MYOPATHY 5 WITH CARDIOMYOPATHY. Identifiers: Orphanet 289377, MedGen C2673677, MONDO:0012714, OMIM 611705. Disease mechanism: loss of function.
Dilated cardiomyopathy 1G (CMD1G). Identifiers: Orphanet 154, MedGen C1858763, MONDO:0011400, OMIM 604145.
Tibial muscular dystrophy (TMD). Also called: UDD MYOPATHY; Tibial muscular dystrophy, tardive; Udd Distal Myopathy – Tibial Muscular Dystrophy. Identifiers: Orphanet 609, MedGen C1838244, MONDO:0010870, OMIM 600334.
Autosomal recessive limb-girdle muscular dystrophy type 2J (LGMDR10). Also called: Limb-girdle muscular dystrophy, type 2J; MUSCULAR DYSTROPHY, LIMB-GIRDLE, AUTOSOMAL RECESSIVE 10. Identifiers: Orphanet 140922, MedGen C1837342, MONDO:0012127, OMIM 608807.
Hypertrophic cardiomyopathy 9. Also called: Familial hypertrophic cardiomyopathy 9. Identifiers: MedGen C1861065, MONDO:0013412, OMIM 613765.
Myopathy, myofibrillar, 9, with early respiratory failure (MFM9). Also called: Hereditary myopathy with early respiratory failure; MYOPATHY, PROXIMAL, WITH EARLY RESPIRATORY MUSCLE INVOLVEMENT; EDSTROM MYOPATHY; Myopathy, distal, with early respiratory failure, autosomal dominant. Identifiers: Orphanet 178464, Orphanet 34521, MedGen C1863599, MONDO:0011362, OMIM 603689.
TTN-related disorder. Also called: TTN-related condition; TTN-related disease; TTN-related disorders.

Allele frequency attached by ClinVar (database versions not stated): gnomAD exomes below 0.00001 and 0.00002; ExAC 0.00003; gnomAD 0.00003; TOPMed 0.00006; ESP Exome Variant Server 0.00008; 1000 Genomes Project 30x 0.00016; 1000 Genomes Project 0.00020.
gnomAD v4.1: 11 of 1,613,208 alleles (0.00068%); highest among the groups gnomAD compares: African/African-American, 0.0093%; no homozygotes.

Submissions (4):

PreventionGenetics, part of Exact Sciences
Classification: Uncertain significance for TTN-related condition. Last evaluated: 2026-03-13. Review status: criteria provided, single submitter. Criteria: ACMG Guidelines, 2015. Collection method: clinical testing. Allele origin: germline.
Comment: The TTN c.21163G>T variant is predicted to result in the amino acid substitution p.Gly7055Trp. To our knowledge, this variant has not been reported in the literature. This variant is reported in 0.019% of alleles in individuals of African descent in gnomAD. At this time, the clinical significance of this variant is uncertain due to the absence of conclusive functional and genetic evidence.

Women's Health and Genetics/Laboratory Corporation of America, LabCorp
Classification: Uncertain significance. Last evaluated: 2022-04-05. Review status: criteria provided, single submitter. Criteria: LabCorp Variant Classification Summary - May 2015. Collection method: clinical testing. Allele origin: germline.

Fulgent Genetics
Classification: Uncertain significance for Tibial muscular dystrophy; Myopathy, myofibrillar, 9, with early respiratory failure; Dilated cardiomyopathy 1G; Autosomal recessive limb-girdle muscular dystrophy type 2J; Early-onset myopathy with fatal cardiomyopathy; Hypertrophic cardiomyopathy 9. Last evaluated: 2021-12-05. Review status: criteria provided, single submitter. Criteria: ACMG Guidelines, 2015. Collection method: clinical testing. Allele origin: unknown.

Eurofins Ntd Llc (ga)
Classification: Uncertain significance. Last evaluated: 2015-09-10. Review status: criteria provided, single submitter. Criteria: EGL Classification Definitions 2015. Collection method: clinical testing. Allele origin: germline. Observed: 2 variant alleles, 1 heterozygote.